The following is an entry in ClinVar:

ClinVar aggregate classification (germline): Uncertain significance (1 of 4 stars; one submission).

Submission:

GeneDx
Classification: Uncertain significance. Last evaluated: 2024-11-22. Review status: criteria provided, single submitter. Criteria: GeneDx Variant Classification Process June 2021. Collection method: clinical testing. Allele origin: germline. Affected: yes.
Comment: Not observed at significant frequency in large population cohorts (gnomAD); In silico analysis indicates that this missense variant does not alter protein structure/function; Has not been previously published as pathogenic or benign to our knowledge

NM_020312.4(COQ9):c.910G>A (p.Ala304Thr)

Gene: COQ9 (coenzyme Q9; plus strand). Cytogenetic location: 16q21.
Variant type: single nucleotide variant.
Coding change: c.910G>A on transcript NM_020312.4 (MANE Select); coding-DNA position 910, G replaced by A.
Protein change: p.Ala304Thr; replaces alanine 304 with threonine.
Molecular consequence: missense variant.
Genome position (GRCh38, 1-based): chr16:57,460,093, G>A. VCF-style: chr16-57460093-G-A. GRCh37 (hg19) VCF-style: chr16-57494005-G-A.
Other names: short protein forms A304T.
Identifiers: ClinVar variation 3900570 (VCV003900570.1).